The following is an entry in ClinVar:

NM_016529.6(ATP8A2):c.1057+9C>A

Gene: ATP8A2 (ATPase phospholipid transporting 8A2). Cytogenetic location: 13q12.13.
Variant type: single nucleotide variant.
Coding change: c.1057+9C>A on transcript NM_016529.6 (MANE Select); 9 bases into the intron after coding-DNA position 1057, C replaced by A.
Molecular consequence: intron variant.
Genome position (GRCh38, 1-based): chr13:25,551,512, C>A. VCF-style: chr13-25551512-C-A. GRCh37 (hg19) VCF-style: chr13-26125650-C-A.
Other names: c.937+9C>A (NM_001313741.1); c.1057+9C>A (NM_016529.5).
Identifiers: ClinVar variation 1635835 (VCV001635835.9), dbSNP rs188891960, ClinGen allele CA6922775.

ClinVar aggregate classification (germline): Benign/Likely benign. Review status: criteria provided, multiple submitters, no conflicts (2 of 4 stars). 2 submissions from 2 submitters: Benign (1); Likely benign (1). Last evaluated 2025-08-30.

Conditions:
ATP8A2-related disorder. Also called: ATP8A2-related condition.

Allele frequency attached by ClinVar (database versions not stated): 1000 Genomes Project 30x 0.00047; 1000 Genomes Project 0.00060; gnomAD 0.00088 and 0.00091; TOPMed 0.00100; ESP Exome Variant Server 0.00106.
gnomAD v4.1: 276 of 1,591,480 alleles (0.017%); highest among the groups gnomAD compares: African/African-American, 0.32%; no homozygotes.

Submissions (2):

Labcorp Genetics (formerly Invitae), Labcorp
Classification: Benign. Last evaluated: 2025-08-30. Review status: criteria provided, single submitter. Criteria: Invitae Variant Classification Sherloc (09022015). Collection method: clinical testing. Allele origin: germline.

PreventionGenetics, part of Exact Sciences
Classification: Likely benign for ATP8A2-related condition. Last evaluated: 2024-11-27. Review status: criteria provided, single submitter. Criteria: ACMG Guidelines, 2015. Collection method: clinical testing. Allele origin: germline.
Comment: This variant is classified as likely benign based on ACMG/AMP sequence variant interpretation guidelines (Richards et al. 2015 PMID: 25741868, with internal and published modifications).